The following is an entry in ClinVar:

ClinVar aggregate classification (germline): Likely benign (0 of 4 stars; one submission).

Conditions:
PLIN1-related disorder. Also called: PLIN1-related condition.

Allele frequency attached by ClinVar (database versions not stated): TOPMed 0.00010; gnomAD 0.00020; 1000 Genomes Project 30x 0.00141; ExAC 0.01752.
gnomAD v4.1: 298 of 1,273,980 alleles (0.023%); highest among the groups gnomAD compares: South Asian, 0.61%; 3 homozygotes.

Submission:

PreventionGenetics, part of Exact Sciences
Classification: Likely benign for PLIN1-related condition. Last evaluated: 2019-06-13. Review status: no assertion criteria provided. Collection method: clinical testing. Allele origin: germline.
Comment: This variant is classified as likely benign based on ACMG/AMP sequence variant interpretation guidelines (Richards et al. 2015 PMID: 25741868, with internal and published modifications).

NM_002666.5(PLIN1):c.1395C>A (p.Pro465=)

Genes: PLIN1 (perilipin 1; minus strand), LOC130057886 (ATAC-STARR-seq lymphoblastoid silent region 6802; plus strand). Cytogenetic location: 15q26.1.
Variant type: single nucleotide variant.
Coding change: c.1395C>A on transcript NM_002666.5 (MANE Select); coding-DNA position 1395, C replaced by A.
Protein change: p.Pro465=; no amino-acid change (proline 465 retained).
Molecular consequence: synonymous variant.
Genome position (GRCh38, 1-based): chr15:89,665,757, G>T on the plus strand (C>A on the coding strand, the complement: PLIN1 is on the minus strand). VCF-style: chr15-89665757-G-T. GRCh37 (hg19) VCF-style: chr15-90208988-G-T.
Other names: c.1395C>A, p.Pro465= (NM_001145311.2).
Identifiers: ClinVar variation 3044124 (VCV003044124.2), dbSNP rs747073444, ClinGen allele CA7728726.